The following is an entry in ClinVar:

ClinVar aggregate classification (germline): Pathogenic (1 of 4 stars; one submission).

Conditions:
Polycystic kidney disease, adult type (PKD1). Also called: POLYCYSTIC KIDNEY DISEASE, ADULT, TYPE I; Polycystic Kidney Disease 1, Autosomal Dominant; Polycystic kidney disease 1; Polycystic kidney disease 1, severe; POLYCYSTIC KIDNEY DISEASE 1 WITH OR WITHOUT POLYCYSTIC LIVER DISEASE; Polycystic Kidney, Autosomal Dominant. Identifiers: MedGen C3149841, MONDO:0008263, OMIM 173900.

Submission:

(GEEPAD) Grupo de Estudio de la Enfermedad Poliquística Autosómica Dominante, Hospitales Universitarios Virgen de las Nieves y San Cecilio (Granada)
Classification: Pathogenic for Polycystic kidney disease, adult type. Last evaluated: 2020-01-21. Review status: criteria provided, single submitter. Criteria: ACMG Guidelines, 2015. Collection method: clinical testing. Allele origin: germline. Inheritance: Autosomal dominant inheritance. Affected: yes. Observed: 3 variant alleles. Clinical features observed: Renal cyst (HP:0000107).
Comment: This variant has been identified in affected patients of two unrelated families.

NM_001009944.3(PKD1):c.2702G>A (p.Trp901Ter)

Gene: PKD1 (polycystin 1, transient receptor potential channel interacting; minus strand). Cytogenetic location: 16p13.3.
Variant type: single nucleotide variant.
Coding change: c.2702G>A on transcript NM_001009944.3 (MANE Select); coding-DNA position 2702, G replaced by A.
Protein change: p.Trp901Ter; replaces tryptophan 901 with a stop codon.
Molecular consequence: nonsense.
Genome position (GRCh38, 1-based): chr16:2,114,321, C>T on the plus strand (G>A on the coding strand, the complement: PKD1 is on the minus strand). VCF-style: chr16-2114321-C-T. GRCh37 (hg19) VCF-style: chr16-2164322-C-T.
Other names: c.2702G>A, p.Trp901Ter (NM_000296.4); short protein forms W901*.
Identifiers: ClinVar variation 917542 (VCV000917542.2), dbSNP rs2092592999, ClinGen allele CA394387042.